The following is an entry in ClinVar:

NM_005422.4(TECTA):c.3312C>G (p.Gly1104=)

Genes: TBCEL-TECTA (TBCEL-TECTA readthrough; plus strand), TECTA (tectorin alpha; plus strand). Cytogenetic location: 11q23.3.
Variant type: single nucleotide variant.
Coding change: c.3312C>G on transcript NM_005422.4 (MANE Select); coding-DNA position 3312, C replaced by G.
Protein change: p.Gly1104=; no amino-acid change (glycine 1104 retained).
Molecular consequence: synonymous variant.
Genome position (GRCh38, 1-based): chr11:121,137,791, C>G. VCF-style: chr11-121137791-C-G. GRCh37 (hg19) VCF-style: chr11-121008500-C-G.
Other names: c.4269C>G, p.Gly1423= (NM_001378761.1).
Identifiers: ClinVar variation 2115555 (VCV002115555.4), dbSNP rs2496940764, ClinGen allele CA477382708.
Genomic context (GRCh38, chr11:121,137,791, plus strand): 5'-GGAGGAAGGTGGCCTGTACTACTGCCAAGCCCGCACCGACGCCTCCTGCATCGTCTCAGG[C>G]TACGGCCACTACCTCACCTTTGATGGCTTCCCCTTTGACTTCCAGACCAGCTGCCCACTC-3'
Protein context (NP_005413.2, residues 1094-1114): ARTDASCIVS[Gly1104=]YGHYLTFDGF

ClinVar aggregate classification (germline): Uncertain significance (1 of 4 stars; one submission).

Submission:

Labcorp Genetics (formerly Invitae), Labcorp
Classification: Uncertain significance. Last evaluated: 2022-07-15. Review status: criteria provided, single submitter. Criteria: Invitae Variant Classification Sherloc (09022015). Collection method: clinical testing. Allele origin: germline.
Comment: In summary, the available evidence is currently insufficient to determine the role of this variant in disease. Therefore, it has been classified as a Variant of Uncertain Significance. Algorithms developed to predict the effect of sequence changes on RNA splicing suggest that this variant may create or strengthen a splice site. This variant has not been reported in the literature in individuals affected with TECTA-related conditions. This variant is not present in population databases (gnomAD no frequency). This sequence change affects codon 1104 of the TECTA mRNA. It is a 'silent' change, meaning that it does not change the encoded amino acid sequence of the TECTA protein.